The following is an entry in ClinVar:

NM_006361.6(HOXB13):c.104G>A (p.Ser35Asn)

Gene: HOXB13 (homeobox B13; minus strand). Cytogenetic location: 17q21.32.
Variant type: single nucleotide variant.
Coding change: c.104G>A on transcript NM_006361.6 (MANE Select); coding-DNA position 104, G replaced by A.
Protein change: p.Ser35Asn; replaces serine 35 with asparagine.
Molecular consequence: missense variant.
Genome position (GRCh38, 1-based): chr17:48,728,490, C>T on the plus strand (G>A on the coding strand, the complement: HOXB13 is on the minus strand). VCF-style: chr17-48728490-C-T. GRCh37 (hg19) VCF-style: chr17-46805852-C-T.
Other names: short protein forms S35N.
Identifiers: ClinVar variation 1776659 (VCV001776659.5), dbSNP rs2143075084, ClinGen allele CA400109329.

ClinVar aggregate classification (germline): Uncertain significance. Review status: criteria provided, multiple submitters, no conflicts (2 of 4 stars). 2 submissions from 2 submitters: Uncertain significance (2). Last evaluated 2023-12-18.

Conditions:
Hereditary cancer-predisposing syndrome. Also called: Neoplastic Syndromes, Hereditary; Tumor predisposition; Hereditary Cancer Syndrome; Hereditary neoplastic syndrome. Identifiers: Orphanet 140162, MedGen C0027672, MeSH D009386, MONDO:0015356.

Submissions (2):

Ambry Genetics
Classification: Uncertain significance for Hereditary cancer-predisposing syndrome. Last evaluated: 2023-12-18. Review status: criteria provided, single submitter. Criteria: Ambry Variant Classification Scheme 2023. Collection method: clinical testing. Allele origin: germline.
Comment: The p.S35N variant (also known as c.104G>A), located in coding exon 1 of the HOXB13 gene, results from a G to A substitution at nucleotide position 104. The serine at codon 35 is replaced by asparagine, an amino acid with highly similar properties. This amino acid position is highly conserved in available vertebrate species. In addition, this alteration is predicted to be tolerated by in silico analysis. Since supporting evidence is limited at this time, the clinical significance of this alteration remains unclear.

Labcorp Genetics (formerly Invitae), Labcorp
Classification: Uncertain significance. Last evaluated: 2023-07-28. Review status: criteria provided, single submitter. Criteria: Invitae Variant Classification Sherloc (09022015). Collection method: clinical testing. Allele origin: germline.
Comment: ClinVar contains an entry for this variant (Variation ID: 1776659). This variant has not been reported in the literature in individuals affected with HOXB13-related conditions. This variant is not present in population databases (gnomAD no frequency). This sequence change replaces serine, which is neutral and polar, with asparagine, which is neutral and polar, at codon 35 of the HOXB13 protein (p.Ser35Asn). An algorithm developed to predict the effect of missense changes on protein structure and function (PolyPhen-2) suggests that this variant is likely to be tolerated. In summary, the available evidence is currently insufficient to determine the role of this variant in disease. Therefore, it has been classified as a Variant of Uncertain Significance.